The following is an entry in ClinVar:

NM_001394998.1(TANC2):c.4167+2T>G

Gene: TANC2 (tetratricopeptide repeat, ankyrin repeat and coiled-coil containing 2; plus strand). Cytogenetic location: 17q23.3.
Variant type: single nucleotide variant.
Coding change: c.4167+2T>G on transcript NM_001394998.1 (MANE Select); the canonical splice donor site of the intron after coding-DNA position 4167, T replaced by G.
Molecular consequence: splice donor variant.
Genome position (GRCh38, 1-based): chr17:63,415,676, T>G. VCF-style: chr17-63415676-T-G. GRCh37 (hg19) VCF-style: chr17-61493037-T-G.
Other names: c.3945+2T>G (NM_001411076.1); c.3915+2T>G (NM_025185.4).
Identifiers: ClinVar variation 5036893 (VCV005036893.1).
Genomic context (GRCh38, chr17:63,415,676, plus strand): 5'-TCCGGGAACTAAAGGTGTCTCTCCTCCTCAACCTCTCTCGGTGTCGCAGGAAAATGAACG[T>G]AAGTCCCTGTCACCCCAACTCCTTTCTGCAATCCTGGTAGCTGATAGCCTGTGTCACTCA-3'

ClinVar aggregate classification (germline): Likely pathogenic (1 of 4 stars; one submission).

Submission:

GeneDx
Classification: Likely pathogenic. Last evaluated: 2026-04-24. Review status: criteria provided, single submitter. Criteria: GeneDx Variant Classification Process June 2021. Collection method: clinical testing. Allele origin: germline.
Comment: Canonical splice site variant predicted to result in an in-frame loss of the adjacent exon in a gene for which loss of function is a known mechanism of disease; Not observed at significant frequency in large population cohorts (gnomAD); Has not been previously published as pathogenic or benign to our knowledge